The following is an entry in ClinVar:

ClinVar aggregate classification (germline): Likely pathogenic (1 of 4 stars; one submission).

Conditions:
SCN2A-related disorder. Also called: SCN2A-related condition; SCN2A-related disorders. Identifiers: MedGen CN382226, MONDO:1060245.

Submission:

3billion
Classification: Likely pathogenic for SCN2A-related disorder. Last evaluated: 2025-11-26. Review status: criteria provided, single submitter. Criteria: ACMG Guidelines, 2015. Collection method: clinical testing. Allele origin: germline. Affected: yes.
Comment: The variant is not observed in the gnomAD v4.1.0 dataset. Predicted Consequence/Location: Missense variant In silico tool predictions suggest damaging effect of the variant on gene or gene product [REVEL: 0.74 (>=0.6, sensitivity 0.68 and specificity 0.92); 3Cnet: 0.99 (> 0.75, sensitivity 0.96 and precision 0.92)]. A different missense change at the same codon (p.Leu1660Trp) has been reported to be associated with SCN2A-related disorder (PMID: 25457084). Therefore, this variant is classified as Likely pathogenic according to the recommendation of ACMG/AMP guideline.

Literature cited by the submitters: PubMed 25457084; PubMed 37795942.

NM_001040142.2(SCN2A):c.4978T>G (p.Leu1660Val)

Gene: SCN2A (sodium voltage-gated channel alpha subunit 2; plus strand). Cytogenetic location: 2q24.3.
Variant type: single nucleotide variant.
Coding change: c.4978T>G on transcript NM_001040142.2 (MANE Select); coding-DNA position 4978, T replaced by G.
Protein change: p.Leu1660Val; replaces leucine 1660 with valine.
Molecular consequence: missense variant.
Genome position (GRCh38, 1-based): chr2:165,388,784, T>G. VCF-style: chr2-165388784-T-G. GRCh37 (hg19) VCF-style: chr2-166245294-T-G.
Other names: c.4978T>G, p.Leu1660Val (NM_001040143.2, NM_001371246.1, NM_001371247.1 and 1 more transcripts); short protein forms L1660V.
Identifiers: ClinVar variation 4854186 (VCV004854186.1).